The following is an entry in ClinVar:

NM_003052.5(SLC34A1):c.56G>A (p.Arg19His)

Gene: SLC34A1 (solute carrier family 34 member 1; plus strand). Cytogenetic location: 5q35.3.
Variant type: single nucleotide variant.
Coding change: c.56G>A on transcript NM_003052.5 (MANE Select); coding-DNA position 56, G replaced by A.
Protein change: p.Arg19His; replaces arginine 19 with histidine.
Molecular consequence: missense variant.
Genome position (GRCh38, 1-based): chr5:177,385,797, G>A. VCF-style: chr5-177385797-G-A. GRCh37 (hg19) VCF-style: chr5-176812798-G-A.
Other names: c.56G>A (NM_003052.4); c.56G>A, p.Arg19His (NM_001167579.2); short protein forms R19H.
Identifiers: ClinVar variation 1510792 (VCV001510792.16), dbSNP rs765766600, ClinGen allele CA3580226.

ClinVar aggregate classification (germline): Conflicting classifications of pathogenicity. Review status: criteria provided, conflicting classifications (1 of 4 stars). 8 submissions from 8 submitters: Uncertain significance (6); Likely benign (2). Last evaluated 2026-05-01.

Conditions:
Inborn genetic diseases. Identifiers: MedGen C0950123, MeSH D030342.
SLC34A1-related disorder. Also called: SLC34A1-related condition; SLC34A1-related disorders.
Hypercalcemia, infantile, 2 (HCINF2). Identifiers: Orphanet 300547, MedGen C4310473, MONDO:0014851, OMIM 616963.
Hypophosphatemic nephrolithiasis/osteoporosis 1. Identifiers: Orphanet 244305, MedGen C2676786, MONDO:0012850, OMIM 612286.

Allele frequency attached by ClinVar (database versions not stated): gnomAD 0.00006; gnomAD exomes 0.00008 and 0.00013; TOPMed 0.00009; ExAC 0.00011.
gnomAD v4.1: 200 of 1,613,218 alleles (0.012%); highest among the groups gnomAD compares: Middle Eastern, 0.23%; no homozygotes.

Submissions (8):

CeGaT Center for Human Genetics Tuebingen
Classification: Likely benign. Last evaluated: 2026-05-01. Review status: criteria provided, single submitter. Criteria: CeGaT Center For Human Genetics Tuebingen Variant Classification Criteria Version 2. Collection method: clinical testing. Allele origin: germline. Affected: yes. Observed: 1 variant allele.
Comment: SLC34A1: BP4

PreventionGenetics, part of Exact Sciences
Classification: Uncertain significance for SLC34A1-related condition. Last evaluated: 2025-11-05. Review status: criteria provided, single submitter. Criteria: ACMG Guidelines, 2015. Collection method: clinical testing. Allele origin: germline.
Comment: The SLC34A1 c.56G>A variant is predicted to result in the amino acid substitution p.Arg19His. To our knowledge, this variant has not been reported in the literature. This variant is reported in 0.020% of alleles in individuals of East Asian descent in gnomAD. At this time, the clinical significance of this variant is uncertain due to the absence of conclusive functional and genetic evidence.

Blueprint Genetics
Classification: Uncertain significance. Last evaluated: 2024-10-23. Review status: criteria provided, single submitter. Criteria: ACMG Guidelines, 2015. Collection method: clinical testing. Allele origin: germline.

Labcorp Genetics (formerly Invitae), Labcorp
Classification: Uncertain significance. Last evaluated: 2023-10-16. Review status: criteria provided, single submitter. Criteria: Invitae Variant Classification Sherloc (09022015). Collection method: clinical testing. Allele origin: germline.
Comment: This sequence change replaces arginine, which is basic and polar, with histidine, which is basic and polar, at codon 19 of the SLC34A1 protein (p.Arg19His). This variant is present in population databases (rs765766600, gnomAD 0.02%). This variant has not been reported in the literature in individuals affected with SLC34A1-related conditions. ClinVar contains an entry for this variant (Variation ID: 1510792). Algorithms developed to predict the effect of missense changes on protein structure and function output the following: SIFT: "Not Available"; PolyPhen-2: "Benign"; Align-GVGD: "Not Available". The histidine amino acid residue is found in multiple mammalian species, which suggests that this missense change does not adversely affect protein function. In summary, the available evidence is currently insufficient to determine the role of this variant in disease. Therefore, it has been classified as a Variant of Uncertain Significance.

Johns Hopkins Genomics, Johns Hopkins University
Classification: Uncertain significance for Hypophosphatemic nephrolithiasis/osteoporosis 1. Last evaluated: 2023-06-08. Review status: criteria provided, single submitter. Criteria: ACMG Guidelines, 2015. Collection method: clinical testing. Allele origin: germline.
Comment: This SLC34A1 missense variant (rs765766600) is rare (<0.1%) in a large population dataset (gnomAD v2.1.1: 23/277936 total alleles; 0.0083%; no homozygotes). It has been reported in ClinVar (Variation ID 1510792), but has not been reported in the literature, to our knowledge. Two bioinformatic tools queried predict that this substitution would be tolerated, but these algorithms have low specificity, especially for predicting gain of function or dominant negative variants. The arginine residue at this position is evolutionarily conserved across many of the species assessed, but some species have a different amino acid at this position including four with histidine. We consider the clinical significance of c.56G>A in SLC34A1 to be uncertain at this time.

Revvity Omics, Revvity
Classification: Uncertain significance. Last evaluated: 2023-01-23. Review status: criteria provided, single submitter. Criteria: ACMG Guidelines, 2015. Collection method: clinical testing. Allele origin: germline.

Victorian Clinical Genetics Services, Murdoch Childrens Research Institute
Classification: Uncertain significance for Hypercalcemia, infantile, 2. Last evaluated: 2022-06-24. Review status: criteria provided, single submitter. Criteria: ACMG Guidelines, 2015. Collection method: clinical testing. Allele origin: germline. Inheritance: Autosomal recessive inheritance. Affected: yes.
Comment: Based on the classification scheme VCGS_Germline_v1.3.4, this variant is classified as VUS-3C. Following criteria are met: 0102 - Loss of function is a known mechanism of disease in this gene and is associated with infantile hypercalcaemia, 2 (MIM#616963) and nephrolithiasis/osteoporosis, hypophosphatemic, 1 (MIM#612286). (I) 0108 - This gene is associated with both recessive and dominant disease. There is currently no established genotype-phenotype correlation in terms of variant types or location. Some authors have hypothesised that autosomal recessive disease is associated with an earlier age of onset (PMID: 31188746). (I) 0200 - Variant is predicted to result in a missense amino acid change from arginine to histidine. (I) 0251 - This variant is heterozygous. (I) 0304 - Variant is present in gnomAD (v2) <0.01 for a condition (23 heterozygotes, 0 homozygotes). (SP) 0309 - An alternative amino acid change at the same position has been observed in gnomAD (v3) (1 heterozygote, 0 homozygotes). (I) 0504 - Same amino acid change has been observed in placental mammals. (SB) 0604 - Variant is not located in an established domain, motif, hotspot or informative constraint region. (I) 0710 - Another missense variant comparable to the one identified in this case has inconclusive previous evidence for pathogenicity. p.(Arg19Cys) has been classified as a VUS by a clinical laboratory in ClinVar. (I) 0809 - Previous evidence of pathogenicity for this variant is inconclusive. This variant has been classified as a VUS by a clinical laboratory in ClinVar. (I) 0905 - No published segregation evidence has been identified for this variant. (I) 1007 - No published functional evidence has been identified for this variant. (I) 1208 - Inheritance information for this variant is not currently available in this individual. (I) Legend: (SP) - Supporting pathogenic, (I) - Information, (SB) - Supporting benign

Ambry Genetics
Classification: Likely benign for Inborn genetic diseases. Last evaluated: 2022-05-18. Review status: criteria provided, single submitter. Criteria: Ambry Variant Classification Scheme 2023. Collection method: clinical testing. Allele origin: germline.

Literature cited by the submitters: PubMed 12324554 (cited by Johns Hopkins Genomics, Johns Hopkins University); PubMed 31188746 (cited by Victorian Clinical Genetics Services, Murdoch Childrens Research Institute).